The following is an entry in ClinVar:

ClinVar aggregate classification (germline): Conflicting classifications of pathogenicity. Review status: criteria provided, conflicting classifications (1 of 4 stars). 2 submissions from 2 submitters: Likely pathogenic (1); Uncertain significance (1). Last evaluated 2026-02-09.

Conditions:
NPC1-related disorder. Also called: NPC1-related condition.

Submissions (2):

GeneDx
Classification: Likely pathogenic. Last evaluated: 2026-02-09. Review status: criteria provided, single submitter. Criteria: GeneDx Variant Classification Process June 2021. Collection method: clinical testing. Allele origin: germline.
Comment: In silico analysis supports that this missense variant has a deleterious effect on protein structure/function; Not observed at significant frequency in large population cohorts (gnomAD); This variant is associated with the following publications: (PMID: 23711246)

PreventionGenetics, part of Exact Sciences
Classification: Uncertain significance for NPC1-related condition. Last evaluated: 2023-05-22. Review status: criteria provided, single submitter. Criteria: ACMG Guidelines, 2015. Collection method: clinical testing. Allele origin: germline.
Comment: The NPC1 c.3049G>A variant is predicted to result in the amino acid substitution p.Ala1017Thr. This variant was reported in a compound heterozygous individual with juvenile-onset Niemann-Pick disease, type C with brain atrophy (Chiba et al. 2014. PubMed ID: 23711246). This variant has not been reported in a large population database, indicating this variant is rare. While we suspect that this variant could be pathogenic, at this time we interpret its clinical significance as uncertain due to the absence of conclusive functional and genetic evidence.

NM_000271.5(NPC1):c.3049G>A (p.Ala1017Thr)

Gene: NPC1 (NPC intracellular cholesterol transporter 1; minus strand). Cytogenetic location: 18q11.2.
Variant type: single nucleotide variant.
Coding change: c.3049G>A on transcript NM_000271.5 (MANE Select); coding-DNA position 3049, G replaced by A.
Protein change: p.Ala1017Thr; replaces alanine 1017 with threonine.
Molecular consequence: missense variant.
Genome position (GRCh38, 1-based): chr18:23,536,869, C>T on the plus strand (G>A on the coding strand, the complement: NPC1 is on the minus strand). VCF-style: chr18-23536869-C-T. GRCh37 (hg19) VCF-style: chr18-21116833-C-T.
Other names: short protein forms A1017T.
Identifiers: ClinVar variation 2632535 (VCV002632535.2), dbSNP rs2511198048, ClinGen allele CA401792045.